The following is an entry in ClinVar:

ClinVar aggregate classification (germline): Uncertain significance (1 of 4 stars; one submission).

Submission:

Labcorp Genetics (formerly Invitae), Labcorp
Classification: Uncertain significance. Last evaluated: 2022-12-31. Review status: criteria provided, single submitter. Criteria: Invitae Variant Classification Sherloc (09022015). Collection method: clinical testing. Allele origin: germline.
Comment: In summary, the available evidence is currently insufficient to determine the role of this variant in disease. Therefore, it has been classified as a Variant of Uncertain Significance. Algorithms developed to predict the effect of missense changes on protein structure and function (SIFT, PolyPhen-2, Align-GVGD) all suggest that this variant is likely to be disruptive. This variant has not been reported in the literature in individuals affected with FH-related conditions. This variant is not present in population databases (gnomAD no frequency). This sequence change replaces threonine, which is neutral and polar, with serine, which is neutral and polar, at codon 301 of the FH protein (p.Thr301Ser).

NM_000143.4(FH):c.901A>T (p.Thr301Ser)

Gene: FH (fumarate hydratase; minus strand). Cytogenetic location: 1q43.
Variant type: single nucleotide variant.
Coding change: c.901A>T on transcript NM_000143.4 (MANE Select); coding-DNA position 901, A replaced by T.
Protein change: p.Thr301Ser; replaces threonine 301 with serine.
Molecular consequence: missense variant.
Genome position (GRCh38, 1-based): chr1:241,506,006, T>A on the plus strand (A>T on the coding strand, the complement: FH is on the minus strand). VCF-style: chr1-241506006-T-A. GRCh37 (hg19) VCF-style: chr1-241669306-T-A.
Other names: short protein forms T301S.
Identifiers: ClinVar variation 2986725 (VCV002986725.3), dbSNP rs1659918863, ClinGen allele CA345438766.